The following is an entry in ClinVar:

ClinVar aggregate classification (germline): Conflicting classifications of pathogenicity. Review status: criteria provided, conflicting classifications (1 of 4 stars). 4 submissions from 4 submitters: Likely pathogenic (1); Uncertain significance (2). 1 of the submissions does not count toward it. Last evaluated 2024-07-30.

Conditions:
Mucopolysaccharidosis, MPS-IV-A (MPS4A). Also called: Mucopolysaccharidosis type IV A; Mucopolysaccharidosis Type IVA; Morquio syndrome A, mild; MORQUIO SYNDROME A; MPS IVA; mucopolysaccharidosis type 4A. Identifiers: Orphanet 309297, Orphanet 582, MedGen C0086651, MONDO:0009659, OMIM 253000.

Submissions (4):

Labcorp Genetics (formerly Invitae), Labcorp
Classification: Likely pathogenic for Mucopolysaccharidosis, MPS-IV-A. Last evaluated: 2024-07-30. Review status: criteria provided, single submitter. Criteria: Invitae Variant Classification Sherloc (09022015). Collection method: clinical testing. Allele origin: germline.
Comment: This sequence change replaces leucine, which is neutral and non-polar, with proline, which is neutral and non-polar, at codon 36 of the GALNS protein (p.Leu36Pro). This variant is not present in population databases (gnomAD no frequency). This missense change has been observed in individual(s) with mucopolysaccharidosis type IVA (PMID: 16287098, 35212421). ClinVar contains an entry for this variant (Variation ID: 1048256). Advanced modeling of protein sequence and biophysical properties (such as structural, functional, and spatial information, amino acid conservation, physicochemical variation, residue mobility, and thermodynamic stability) performed at Invitae indicates that this missense variant is expected to disrupt GALNS protein function with a positive predictive value of 95%. This variant disrupts the p.Leu36 amino acid residue in GALNS. Other variant(s) that disrupt this residue have been determined to be pathogenic (PMID: 24726177, 25252036; Invitae). This suggests that this residue is clinically significant, and that variants that disrupt this residue are likely to be disease-causing. In summary, the currently available evidence indicates that the variant is pathogenic, but additional data are needed to prove that conclusively. Therefore, this variant has been classified as Likely Pathogenic.

Revvity Omics, Revvity
Classification: Uncertain significance for Mucopolysaccharidosis, MPS-IV-A. Last evaluated: 2022-04-28. Review status: criteria provided, single submitter. Criteria: ACMG Guidelines, 2015. Collection method: clinical testing. Allele origin: germline.

Laboratory of Diagnosis and Therapy of Lysosomal Disorders, University of Padova
Classification: Uncertain significance for Mucopolysaccharidosis, MPS-IV-A. Last evaluated: 2021-02-01. Review status: criteria provided, single submitter. Criteria: ACMG Guidelines, 2015. Collection method: curation. Allele origin: germline. Affected: yes.
Comment: Absent from gnomAD v2.1.1 (PM2_moderate); multiple lines of computational evidence support a deleterious effect on the gene (PP3_supporting)

Molecular Biology Laboratory, Department of Zoology, Quaid-i-azam University
Classification: Pathogenic for Mucopolysaccharidosis, MPS-IV-A. Review status: no assertion criteria provided. Collection method: research. Allele origin: inherited. Inheritance: Autosomal recessive inheritance. Affected: yes. Not counted in ClinVar's aggregate classification.

Literature cited by the submitters: PubMed 16287098 (cited by Labcorp Genetics (formerly Invitae), Labcorp and Laboratory of Diagnosis and Therapy of Lysosomal Disorders, University of Padova); PubMed 35212421 (cited by Labcorp Genetics (formerly Invitae), Labcorp); PubMed 24726177 (cited by Labcorp Genetics (formerly Invitae), Labcorp); PubMed 25252036 (cited by Labcorp Genetics (formerly Invitae), Labcorp); PubMed 34387910 (cited by Laboratory of Diagnosis and Therapy of Lysosomal Disorders, University of Padova).

NM_000512.5(GALNS):c.107T>C (p.Leu36Pro)

Genes: GALNS (galactosamine (N-acetyl)-6-sulfatase; minus strand), TRAPPC2L (trafficking protein particle complex subunit 2L; plus strand), LOC130059762 (ATAC-STARR-seq lymphoblastoid silent region 7883; plus strand). Cytogenetic location: 16q24.3.
Variant type: single nucleotide variant.
Coding change: c.107T>C on transcript NM_000512.5 (MANE Select); coding-DNA position 107, T replaced by C.
Protein change: p.Leu36Pro; replaces leucine 36 with proline.
Molecular consequence: missense variant. On other transcripts: 5 prime UTR variant (2).
Genome position (GRCh38, 1-based): chr16:88,856,771, A>G on the plus strand (T>C on the coding strand, the complement: GALNS is on the minus strand). VCF-style: chr16-88856771-A-G. GRCh37 (hg19) VCF-style: chr16-88923179-A-G.
Other names: c.-325T>C (NM_001323543.2); c.-46T>C (NM_001323544.2); short protein forms L36P.
Identifiers: ClinVar variation 1048256 (VCV001048256.9), dbSNP rs755832705, ClinGen allele CA397101050.
Genomic context (GRCh38, chr16:88,856,771, plus strand): 5'-CTCCCCGCCCCACCCCGGCCCTGCCCCGTCCCACCGCCCGCACTCACGTCGTCCATGAGC[A>G]GGAGCAGGATGTTGGGGGGCTGCGGGGCGCCCGAGGCCCCCATCCCCGCGGCGCTGAGCA-3'
Protein context (NP_000503.1, residues 26-46): GAPQPPNILL[Leu36Pro]LMDDMGWGDL